The following is an entry in ClinVar:

NM_001165963.4(SCN1A):c.242A>T (p.Asp81Val)

Gene: SCN1A (sodium voltage-gated channel alpha subunit 1; minus strand). Cytogenetic location: 2q24.3.
Variant type: single nucleotide variant.
Coding change: c.242A>T on transcript NM_001165963.4 (MANE Select); coding-DNA position 242, A replaced by T.
Protein change: p.Asp81Val; replaces aspartic acid 81 with valine.
Molecular consequence: missense variant. On other transcripts: 5 prime UTR variant (1), non-coding transcript variant (1).
Genome position (GRCh38, 1-based): chr2:166,073,380, T>A on the plus strand (A>T on the coding strand, the complement: SCN1A is on the minus strand). VCF-style: chr2-166073380-T-A. GRCh37 (hg19) VCF-style: chr2-166929890-T-A.
Other names: c.242A>T, p.Asp81Val (NM_001165964.3, NM_001202435.3, NM_001353948.2 and 10 more transcripts); c.-2184A>T (NM_001353961.2); short protein forms D81V.
Identifiers: ClinVar variation 2027352 (VCV002027352.4), dbSNP rs1684663181, ClinGen allele CA349242684.
Genomic context (GRCh38, chr2:166,073,380, plus strand): 5'-CAATTAGCAGCAAAATATGCCTGATAAAAAACACTCACTTTCTTATTGATATAGTAGGGG[T>A]CCAGGTCCTCCAGGGGCTCTGACACCATCTCTGGAGGAATGTCTCCATAAATAAATGGAA-3'
Protein context (NP_001159435.1, residues 71-91): EMVSEPLEDL[Asp81Val]PYYINKKTFI

ClinVar aggregate classification (germline): Likely pathogenic (1 of 4 stars; one submission).

Conditions:
Early-infantile DEE. Also called: Ohtahara syndrome; Early infantile epileptic encephalopathy with suppression bursts; Early infantile epileptic encephalopathy. Identifiers: Orphanet 1934, MedGen C0393706, MONDO:0800491.

Submission:

Labcorp Genetics (formerly Invitae), Labcorp
Classification: Likely pathogenic for Early-infantile DEE. Last evaluated: 2022-08-27. Review status: criteria provided, single submitter. Criteria: Invitae Variant Classification Sherloc (09022015). Collection method: clinical testing. Allele origin: germline.
Comment: This variant has not been reported in the literature in individuals affected with SCN1A-related conditions. This variant is not present in population databases (gnomAD no frequency). This sequence change replaces aspartic acid, which is acidic and polar, with valine, which is neutral and non-polar, at codon 81 of the SCN1A protein (p.Asp81Val). In summary, the currently available evidence indicates that the variant is pathogenic, but additional data are needed to prove that conclusively. Therefore, this variant has been classified as Likely Pathogenic. This variant disrupts the p.Asp81 amino acid residue in SCN1A. Other variant(s) that disrupt this residue have been determined to be pathogenic (PMID: 26169758, 29745119). This suggests that this residue is clinically significant, and that variants that disrupt this residue are likely to be disease-causing. Advanced modeling of protein sequence and biophysical properties (such as structural, functional, and spatial information, amino acid conservation, physicochemical variation, residue mobility, and thermodynamic stability) performed at Invitae indicates that this missense variant is expected to disrupt SCN1A protein function.

Literature cited by the submitters: PubMed 26169758; PubMed 29745119.